The following is an entry in ClinVar:

NM_006623.4(PHGDH):c.1013_1014insACTGTCTCTTATACACA (p.Gly340fs)

Gene: PHGDH (phosphoglycerate dehydrogenase; plus strand). Cytogenetic location: 1p12.
Variant type: Insertion.
Coding change: c.1013_1014insACTGTCTCTTATACACA on transcript NM_006623.4 (MANE Select); coding-DNA positions 1013 to 1014, ACTGTCTCTTATACACA inserted.
Protein change: p.Gly340fs; shifts the reading frame from glycine 340.
Molecular consequence: frameshift variant.
Genome position: GRCh38 VCF-style: chr1-119740453-C-CACTGTCTCTTATACACA. GRCh37 (hg19) VCF-style: chr1-120283076-C-CACTGTCTCTTATACACA.
Other names: short protein forms G340fs.
Identifiers: ClinVar variation 5010801 (VCV005010801.1).

ClinVar aggregate classification (germline): Pathogenic (1 of 4 stars; one submission).

Conditions:
Neurometabolic disorder due to serine deficiency. Identifiers: Orphanet 35705, MedGen C5680148, MONDO:0018162.

Submission:

Myriad Genetics, Inc.
Classification: Pathogenic for Neurometabolic disorder due to serine deficiency. Last evaluated: 2024-05-14. Review status: criteria provided, single submitter. Criteria: Myriad Autosomal Dominant, Autosomal Recessive and X-Linked Classification Criteria (2023). Collection method: clinical testing. Allele origin: unknown.
Comment: NM_006623.3(PHGDH):c.1013_1014ins17(G340Sfs*9) is expected to be pathogenic in the context of serine deficiency disorder, PHGDH-related. This variant is predicted to lead to an abnormal or absent protein product due to the creation of a premature termination codon in PHGDH, a gene where loss-of-function variants are known to be pathogenic. Please note: this variant was assessed in the context of healthy population screening.